The following is an entry in ClinVar:

ClinVar aggregate classification (germline): Pathogenic (1 of 4 stars; one submission).

Submission:

Labcorp Genetics (formerly Invitae), Labcorp
Classification: Pathogenic. Last evaluated: 2025-06-06. Review status: criteria provided, single submitter. Criteria: Invitae Variant Classification Sherloc (09022015). Collection method: clinical testing. Allele origin: germline.
Comment: This sequence change creates a premature translational stop signal (p.Ser1078Phefs*6) in the MPDZ gene. It is expected to result in an absent or disrupted protein product. Loss-of-function variants in MPDZ are known to be pathogenic (PMID: 23240096, 28556411). This variant is not present in population databases (gnomAD no frequency). This variant has not been reported in the literature in individuals affected with MPDZ-related conditions. ClinVar contains an entry for this variant (Variation ID: 3648156). For these reasons, this variant has been classified as Pathogenic.

Literature cited by the submitters: PubMed 23240096; PubMed 28556411.

NM_001378778.1(MPDZ):c.3232dup (p.Ser1078fs)

Gene: MPDZ (multiple PDZ domain crumbs cell polarity complex component; minus strand). Cytogenetic location: 9p23.
Variant type: Duplication.
Coding change: c.3232dup on transcript NM_001378778.1 (MANE Select); coding-DNA position 3232, one base duplicated (T; older notation c.3232dupT).
Protein change: p.Ser1078fs; shifts the reading frame from serine 1078.
Molecular consequence: frameshift variant.
Genome position (GRCh38, 1-based): chr9:13,168,388, A duplicated on the plus strand (T on the coding strand, the reverse complement: MPDZ is on the minus strand); the first of 2 consecutive A bases (chr9:13,168,388-13,168,389); duplicating either gives the same sequence. VCF-style (leftmost placement, unchanged base first): chr9-13168387-G-GA. GRCh37 (hg19) VCF-style: chr9-13168386-G-GA.
Other names: c.3232dup, p.Ser1078fs (NM_001261406.2, NM_001261407.2, NM_001330637.2 and 14 more transcripts); short protein forms S1078fs.
Identifiers: ClinVar variation 3648156 (VCV003648156.2).
Genomic context (GRCh38, chr9:13,168,387, plus strand): 5'-GAATTTCCCAAGTTAAACTGGGCTTCAAATGATACTTACTTTATGTCAGGGCCAATGAGA[G>GA]AATGTCTTCTCAACATAGCTCGTGCCTGGGCATTGGTTACACTGATGGTAGACTCTTCAT-3'